The following is an entry in ClinVar:

ClinVar aggregate classification (germline): Uncertain significance (1 of 4 stars; one submission).

Conditions:
Transcobalamin II deficiency (TCN2D). Also called: TC II DEFICIENCY; TCN2 DEFICIENCY; Transcolabamin II deficiency. Identifiers: Orphanet 859, MedGen C0342701, MONDO:0010149, OMIM 275350.

Allele frequency attached by ClinVar (database versions not stated): gnomAD exomes below 0.00001; ExAC 0.00001.

Submission:

Labcorp Genetics (formerly Invitae), Labcorp
Classification: Uncertain significance for Transcobalamin II deficiency. Last evaluated: 2020-08-10. Review status: criteria provided, single submitter. Criteria: Invitae Variant Classification Sherloc (09022015). Collection method: clinical testing. Allele origin: germline.
Comment: In summary, the available evidence is currently insufficient to determine the role of this variant in disease. Therefore, it has been classified as a Variant of Uncertain Significance. Algorithms developed to predict the effect of missense changes on protein structure and function output the following: SIFT: "Tolerated"; PolyPhen-2: "Benign"; Align-GVGD: "Class C0". The glutamine amino acid residue is found in multiple mammalian species, suggesting that this missense change does not adversely affect protein function. These predictions have not been confirmed by published functional studies and their clinical significance is uncertain. This variant has not been reported in the literature in individuals with TCN2-related conditions. This variant is present in population databases (rs770630089, ExAC 0.002%). This sequence change replaces histidine with glutamine at codon 149 of the TCN2 protein (p.His149Gln). The histidine residue is highly conserved and there is a small physicochemical difference between histidine and glutamine.

NM_000355.4(TCN2):c.447C>A (p.His149Gln)

Gene: TCN2 (transcobalamin 2; plus strand). Cytogenetic location: 22q12.2.
Variant type: single nucleotide variant.
Coding change: c.447C>A on transcript NM_000355.4 (MANE Select); coding-DNA position 447, C replaced by A.
Protein change: p.His149Gln; replaces histidine 149 with glutamine.
Molecular consequence: missense variant.
Genome position (GRCh38, 1-based): chr22:30,614,368, C>A. VCF-style: chr22-30614368-C-A. GRCh37 (hg19) VCF-style: chr22-31010355-C-A.
Other names: c.366C>A, p.His122Gln (NM_001184726.2); short protein forms H122Q, H149Q.
Identifiers: ClinVar variation 998495 (VCV000998495.7), dbSNP rs770630089, ClinGen allele CA10184668.